The following is an entry in ClinVar:

NM_025114.4(CEP290):c.1471T>A (p.Leu491Met)

Gene: CEP290 (centrosomal protein 290; minus strand). Cytogenetic location: 12q21.32.
Variant type: single nucleotide variant.
Coding change: c.1471T>A on transcript NM_025114.4 (MANE Select); coding-DNA position 1471, T replaced by A.
Protein change: p.Leu491Met; replaces leucine 491 with methionine.
Molecular consequence: missense variant.
Genome position (GRCh38, 1-based): chr12:88,120,165, A>T on the plus strand (T>A on the coding strand, the complement: CEP290 is on the minus strand). VCF-style: chr12-88120165-A-T. GRCh37 (hg19) VCF-style: chr12-88513942-A-T.
Other names: short protein forms L491M.
Identifiers: ClinVar variation 2197162 (VCV002197162.2), dbSNP rs1232443399, ClinGen allele CA385979868.

ClinVar aggregate classification (germline): Uncertain significance (1 of 4 stars; one submission).

Conditions:
Joubert syndrome. Also called: CEREBELLOPARENCHYMAL DISORDER IV; JOUBERT-BOLTSHAUSER SYNDROME; Familial aplasia of the vermis. Identifiers: Orphanet 475, MedGen C5979921, MONDO:0018772.
Nephronophthisis. Also called: Juvenile Nephronophthisis. Identifiers: Orphanet 655, MedGen C0687120, MONDO:0019005, HP:0000090.
Meckel-Gruber syndrome. Also called: DYSENCEPHALIA SPLANCHNOCYSTICA; GRUBER SYNDROME; Dysencephalia splachnocystica. Identifiers: Orphanet 564, MedGen C0265215, MONDO:0018921.

Allele frequency attached by ClinVar (database versions not stated): gnomAD 0.00001; TOPMed 0.00001.

Submission:

Labcorp Genetics (formerly Invitae), Labcorp
Classification: Uncertain significance for Joubert syndrome; Meckel-Gruber syndrome; Nephronophthisis. Last evaluated: 2025-02-24. Review status: criteria provided, single submitter. Criteria: Invitae Variant Classification Sherloc (09022015). Collection method: clinical testing. Allele origin: germline.
Comment: This sequence change replaces leucine, which is neutral and non-polar, with methionine, which is neutral and non-polar, at codon 491 of the CEP290 protein (p.Leu491Met). This variant is not present in population databases (gnomAD no frequency). This variant has not been reported in the literature in individuals affected with CEP290-related conditions. ClinVar contains an entry for this variant (Variation ID: 2197162). Invitae Evidence Modeling of protein sequence and biophysical properties (such as structural, functional, and spatial information, amino acid conservation, physicochemical variation, residue mobility, and thermodynamic stability) indicates that this missense variant is not expected to disrupt CEP290 protein function with a negative predictive value of 80%. In summary, the available evidence is currently insufficient to determine the role of this variant in disease. Therefore, it has been classified as a Variant of Uncertain Significance.